The following is an entry in ClinVar:

ClinVar aggregate classification (germline): Pathogenic. Review status: criteria provided, multiple submitters, no conflicts (2 of 4 stars). 2 submissions from 2 submitters: Pathogenic (2). Last evaluated 2022-01-24.

Conditions:
Osteogenesis imperfecta type I (OI1). Also called: Lobstein disease; Osteogenesis imperfecta type 1; OI, TYPE I; OSTEOGENESIS IMPERFECTA TARDA; OSTEOGENESIS IMPERFECTA WITH BLUE SCLERAE; Lobstein's Disease. Identifiers: Orphanet 216796, Orphanet 666, MedGen C0023931, MONDO:0008146, OMIM 166200. Disease mechanism: loss of function.

Submissions (2):

Laboratory of Medical Genetics, National & Kapodistrian University of Athens
Classification: Pathogenic for Osteogenesis imperfecta type I. Last evaluated: 2022-01-24. Review status: criteria provided, single submitter. Criteria: ACMG Guidelines, 2015. Collection method: clinical testing. Allele origin: germline. Affected: yes.
Comment: PVS1, PM2, PP3

Labcorp Genetics (formerly Invitae), Labcorp
Classification: Pathogenic for Osteogenesis imperfecta type I. Last evaluated: 2018-11-05. Review status: criteria provided, single submitter. Criteria: Invitae Variant Classification Sherloc (09022015). Collection method: clinical testing. Allele origin: germline.
Comment: Disruption of this splice site has been observed in individuals with osteogenesis imperfecta (PMID: 17078022). This variant is not present in population databases (ExAC no frequency). This sequence change affects a donor splice site in intron 23 of the COL1A1 gene. It is expected to disrupt RNA splicing and likely results in an absent or disrupted protein product. Donor and acceptor splice site variants typically lead to a loss of protein function (PMID: 16199547), and loss-of-function variants in COL1A1 are known to be pathogenic (PMID: 7942841, 9295084, 9443882). For these reasons, this variant has been classified as Pathogenic.

Literature cited by the submitters: PubMed 17078022 (cited by Labcorp Genetics (formerly Invitae), Labcorp); PubMed 16199547 (cited by Labcorp Genetics (formerly Invitae), Labcorp); PubMed 7942841 (cited by Labcorp Genetics (formerly Invitae), Labcorp); PubMed 9295084 (cited by Labcorp Genetics (formerly Invitae), Labcorp); PubMed 9443882 (cited by Labcorp Genetics (formerly Invitae), Labcorp).

NM_000088.4(COL1A1):c.1614+2T>A

Gene: COL1A1 (collagen type I alpha 1 chain; minus strand). Cytogenetic location: 17q21.33.
Variant type: single nucleotide variant.
Coding change: c.1614+2T>A on transcript NM_000088.4 (MANE Select); the canonical splice donor site of the intron after coding-DNA position 1614, T replaced by A.
Molecular consequence: splice donor variant.
Genome position (GRCh38, 1-based): chr17:50,194,347, A>T on the plus strand (T>A on the coding strand, the complement: COL1A1 is on the minus strand). VCF-style: chr17-50194347-A-T. GRCh37 (hg19) VCF-style: chr17-48271708-A-T.
Identifiers: ClinVar variation 656721 (VCV000656721.10), dbSNP rs1598295482, ClinGen allele CA400216262.